The following is an entry in ClinVar:

ClinVar aggregate classification (germline): Pathogenic/Likely pathogenic. Review status: criteria provided, multiple submitters, no conflicts (2 of 4 stars). 11 submissions from 11 submitters: Pathogenic (6); Likely pathogenic (3). 2 of the submissions do not count toward it. Last evaluated 2026-01-27.

Conditions:
PRPH2-related disorder. Also called: PRPH2-related condition; PRPH2-related disorders. Identifiers: MedGen CN239395.
Retinal dystrophy. Also called: Inherited retinal dystrophy. Identifiers: Orphanet 71862, MedGen C0854723, MeSH D058499, MONDO:0019118, HP:0000556.
Retinitis pigmentosa (RP). Identifiers: Orphanet 791, MedGen C0035334, MeSH D012174, MONDO:0019200, OMIM 268000. Inheritance: Autosomal dominant, autosomal recessive and X linked inheritance.
Stargardt disease (FFM). Also called: Stargardt's disease; Fundus flavimaculatus. Identifiers: Orphanet 827, MedGen C0271093, MONDO:0019353.

Allele frequency attached by ClinVar (database versions not stated): gnomAD exomes 0.00001; TOPMed 0.00001.

Submissions (11):

Labcorp Genetics (formerly Invitae), Labcorp
Classification: Pathogenic for PRPH2-related disorder. Last evaluated: 2026-01-27. Review status: criteria provided, single submitter. Criteria: Invitae Variant Classification Sherloc (09022015). Collection method: clinical testing. Allele origin: germline.
Comment: This sequence change replaces glycine, which is neutral and non-polar, with serine, which is neutral and polar, at codon 167 of the PRPH2 protein (p.Gly167Ser). This variant is not present in population databases (gnomAD no frequency). This missense change has been observed in individuals with autosomal dominant pattern dystrophy or retinitis pigmentosa (PMID: 16024869, 23591405, 25324289, 28559085). It has also been observed to segregate with disease in related individuals. ClinVar contains an entry for this variant (Variation ID: 143070). Invitae Evidence Modeling of protein sequence and biophysical properties (such as structural, functional, and spatial information, amino acid conservation, physicochemical variation, residue mobility, and thermodynamic stability) indicates that this missense variant is expected to disrupt PRPH2 protein function with a positive predictive value of 95%. For these reasons, this variant has been classified as Pathogenic.

GeneDx
Classification: Pathogenic. Last evaluated: 2024-11-08. Review status: criteria provided, single submitter. Criteria: GeneDx Variant Classification Process June 2021. Collection method: clinical testing. Allele origin: germline. Affected: yes.
Comment: Not observed at significant frequency in large population cohorts (gnomAD); In silico analysis supports that this missense variant has a deleterious effect on protein structure/function; This variant is associated with the following publications: (PMID: 22863181, 25474345, 34828423, 23049240, 18310263, 16024869, 23591405, 21269699, 32660024, 32531846, 38743414, 38219857, 25324289, 28559085, 32036094, 38474159, 35260635, 31213501, 35119454, 36460718, 36010202, 32531858, 34411390, 34996991, 37734845)

Blueprint Genetics
Classification: Pathogenic for PRPH2-related disorders. Last evaluated: 2024-03-02. Review status: criteria provided, single submitter. Criteria: ACMG Guidelines, 2015. Collection method: clinical testing. Allele origin: germline. Affected: yes. Observed: 5 variant alleles.

Dept Of Ophthalmology, Nagoya University
Classification: Likely pathogenic for Retinal dystrophy. Last evaluated: 2023-10-01. Review status: criteria provided, single submitter. Criteria: Submitter's publication. Collection method: research. Allele origin: germline. Affected: yes.

Institute for Clinical Genetics, University Hospital TU Dresden, University Hospital TU Dresden
Classification: Pathogenic. Last evaluated: 2023-02-28. Review status: criteria provided, single submitter. Criteria: ACMG Guidelines, 2015. Collection method: clinical testing. Allele origin: germline.
Comment: PM1, PP3, PM5, PP4, PS4, PM2_SUP

Institute of Human Genetics, Univ. Regensburg, Univ. Regensburg
Classification: Likely pathogenic for Retinal dystrophy. Last evaluated: 2022-01-01. Review status: criteria provided, single submitter. Criteria: ACMG Guidelines, 2015. Collection method: clinical testing. Allele origin: germline. Affected: yes.

Institute of Medical Genetics and Applied Genomics, University Hospital Tübingen
Classification: Pathogenic. Last evaluated: 2020-10-23. Review status: criteria provided, single submitter. Criteria: ACMG Guidelines, 2015. Collection method: clinical testing. Allele origin: germline. Inheritance: Autosomal unknown. Affected: yes.

NEI Ophthalmic Genomics Laboratory, National Institutes of Health
Classification: Likely pathogenic for Stargardt disease. Last evaluated: 2020-01-07. Review status: criteria provided, single submitter. Criteria: ACMG Guidelines, 2015. Collection method: clinical testing. Allele origin: germline. Affected: yes.
Comment: The variant NM_000322.4:c.499G>A in the PRPH2 gene has been previously studied(PMIDs 16024869, 22863181, 23591405, 25324289, 25474345, 28559085). This variant is listed in dbSNP and/or HGMD (rs527236098,CM052911). It is absent in gnomAD browser. It is not enriched in the PRPH2 disease cohort. We invoked ACMG criteria [PM1, PM2, PM5, PP1, PP3, PP5] and classified NM_000322.4:c.499G>A in the PRPH2 gene as a Likely Pathogenic mutation.

CeGaT Center for Human Genetics Tuebingen
Classification: Pathogenic. Last evaluated: 2019-02-01. Review status: criteria provided, single submitter. Criteria: CeGaT Center For Human Genetics Tuebingen Variant Classification Criteria Version 2. Collection method: clinical testing. Allele origin: germline. Affected: yes. Observed: 3 variant alleles.

Leiden Open Variation Database
Classification: Pathogenic. Last evaluated: 2021-06-19. Review status: no assertion criteria provided. Collection method: curation. Allele origin: germline. Affected: yes. Not counted in ClinVar's aggregate classification.
Comment: Curator: Global Variome, with Curator vacancy. Submitters to LOVD: LOVD, Manon Peeters, Yoshito Koyanagi.

Department of Ophthalmology and Visual Sciences Kyoto University
Classification: Pathogenic for Retinitis pigmentosa. Review status: no assertion criteria provided. Collection method: not provided. Allele origin: unknown. Not counted in ClinVar's aggregate classification.
ClinVar note: Converted during submission from pathogenic to Pathogenic.

Literature cited by the submitters: PubMed 16024869 (cited by 3 submitters); PubMed 23591405 (cited by 3 submitters); PubMed 25324289 (cited by 3 submitters); PubMed 28559085 (cited by 3 submitters); PubMed 22863181 (cited by Institute of Human Genetics, Univ. Regensburg, Univ. Regensburg and Leiden Open Variation Database); PubMed 25474345 (cited by Institute of Human Genetics, Univ. Regensburg, Univ. Regensburg and Leiden Open Variation Database); PubMed 31213501 (cited by Institute of Human Genetics, Univ. Regensburg, Univ. Regensburg and Leiden Open Variation Database); PubMed 32660024 (cited by Institute of Human Genetics, Univ. Regensburg, Univ. Regensburg and Leiden Open Variation Database); PubMed 32036094 (cited by Institute of Human Genetics, Univ. Regensburg, Univ. Regensburg); PubMed 32531858 (cited by Institute of Human Genetics, Univ. Regensburg, Univ. Regensburg); PubMed 34828423 (cited by Institute of Human Genetics, Univ. Regensburg, Univ. Regensburg); PubMed 34411390 (cited by Institute of Human Genetics, Univ. Regensburg, Univ. Regensburg); PubMed 36010202 (cited by Institute of Human Genetics, Univ. Regensburg, Univ. Regensburg); PubMed 35119454 (cited by Institute of Human Genetics, Univ. Regensburg, Univ. Regensburg); PubMed 35260635 (cited by Institute of Human Genetics, Univ. Regensburg, Univ. Regensburg); PubMed 36460718 (cited by Institute of Human Genetics, Univ. Regensburg, Univ. Regensburg); PubMed 34996991 (cited by Institute of Human Genetics, Univ. Regensburg, Univ. Regensburg); PubMed 18310263 (cited by Leiden Open Variation Database); PubMed 21269699 (cited by Leiden Open Variation Database); PubMed 32531846 (cited by Leiden Open Variation Database).

NM_000322.5(PRPH2):c.499G>A (p.Gly167Ser)

Gene: PRPH2 (peripherin 2; minus strand). Cytogenetic location: 6p21.1.
Variant type: single nucleotide variant.
Coding change: c.499G>A on transcript NM_000322.5 (MANE Select); coding-DNA position 499, G replaced by A.
Protein change: p.Gly167Ser; replaces glycine 167 with serine.
Molecular consequence: missense variant.
Genome position (GRCh38, 1-based): chr6:42,721,836, C>T on the plus strand (G>A on the coding strand, the complement: PRPH2 is on the minus strand). VCF-style: chr6-42721836-C-T. GRCh37 (hg19) VCF-style: chr6-42689574-C-T.
Other names: short protein forms G167S.
Identifiers: ClinVar variation 143070 (VCV000143070.60), dbSNP rs527236098, ClinGen allele CA270015.